The following is an entry in ClinVar:

ClinVar aggregate classification (germline): Conflicting classifications of pathogenicity. Review status: criteria provided, conflicting classifications (1 of 4 stars). 2 submissions from 2 submitters: Uncertain significance (1); Likely benign (1). Last evaluated 2025-09-08.

Conditions:
Hereditary cancer-predisposing syndrome. Also called: Neoplastic Syndromes, Hereditary; Tumor predisposition; Hereditary Cancer Syndrome; Hereditary neoplastic syndrome. Identifiers: Orphanet 140162, MedGen C0027672, MeSH D009386, MONDO:0015356.
Hereditary breast ovarian cancer syndrome. Also called: Hereditary breast and ovarian cancer syndrome (HBOC); Hereditary breast and/or ovarian cancer syndrome; Hereditary breast and ovarian cancer; Hereditary breast and ovarian cancer syndrome; BRCA1- and BRCA2-Associated Hereditary Breast and Ovarian Cancer; Breast and ovarian cancer. Identifiers: Orphanet 145, MedGen C0677776, MeSH D061325, MONDO:0003582. Disease mechanism: loss of function.

Submissions (2):

Labcorp Genetics (formerly Invitae), Labcorp
Classification: Likely benign for Hereditary breast ovarian cancer syndrome. Last evaluated: 2025-09-08. Review status: criteria provided, single submitter. Criteria: Invitae Variant Classification Sherloc (09022015). Collection method: clinical testing. Allele origin: germline.

Color Diagnostics, LLC DBA Color Health
Classification: Uncertain significance for Hereditary cancer-predisposing syndrome. Last evaluated: 2022-12-14. Review status: criteria provided, single submitter. Criteria: ACMG Guidelines, 2015. Collection method: clinical testing. Allele origin: germline.
Comment: This variant causes a deletion of 4 nucleotides in intron 14 of the BRCA2 gene. To our knowledge, functional studies have not been reported for this variant. This variant has not been reported in individuals affected with BRCA2-related disorders in the literature. This variant has not been identified in the general population by the Genome Aggregation Database (gnomAD). The available evidence is insufficient to determine the role of this variant in disease conclusively. Therefore, this variant is classified as a Variant of Uncertain Significance.

NM_000059.4(BRCA2):c.7436-13_7436-10del

Gene: BRCA2 (BRCA2 DNA repair associated; plus strand). Cytogenetic location: 13q13.1.
Variant type: Microsatellite.
Coding change: c.7436-13_7436-10del on transcript NM_000059.4 (MANE Select); 13 bases into the intron before coding-DNA position 7436 through 10 bases into the intron before coding-DNA position 7436, 4 bases deleted (TATT; older notation c.7436-13_7436-10delTATT).
Molecular consequence: intron variant.
Genome position (GRCh38, 1-based): chr13:32,356,415-32,356,418, TATT deleted; deleting any 4 consecutive bases within chr13:32,356,411-32,356,418 gives the same sequence; the c. name uses the placement nearest the transcript's 3' end. VCF-style (leftmost placement, unchanged base first): chr13-32356410-GTATT-G. GRCh37 (hg19) VCF-style: chr13-32930547-GTATT-G.
Other names: c.7436-13_7436-10del (NM_001406720.1); c.7340-13_7340-10del (NM_001406719.1); c.2504-13_2504-10del (NM_001406721.1); c.1019-13_1019-10del (NM_001406722.1).
Identifiers: ClinVar variation 2774943 (VCV002774943.5), dbSNP rs2072694636, ClinGen allele CA2082813930.